The following is an entry in ClinVar:

NM_032043.3(BRIP1):c.2556C>T (p.Asn852=)

Gene: BRIP1 (BRCA1 interacting DNA helicase 1; minus strand). Cytogenetic location: 17q23.2.
Variant type: single nucleotide variant.
Coding change: c.2556C>T on transcript NM_032043.3 (MANE Select); coding-DNA position 2556, C replaced by T.
Protein change: p.Asn852=; no amino-acid change (asparagine 852 retained).
Molecular consequence: synonymous variant.
Genome position (GRCh38, 1-based): chr17:61,693,449, G>A on the plus strand (C>T on the coding strand, the complement: BRIP1 is on the minus strand). VCF-style: chr17-61693449-G-A. GRCh37 (hg19) VCF-style: chr17-59770810-G-A.
Identifiers: ClinVar variation 230804 (VCV000230804.15), dbSNP rs876658785, ClinGen allele CA10580794.

ClinVar aggregate classification (germline): Benign/Likely benign. Review status: criteria provided, multiple submitters, no conflicts (2 of 4 stars). 3 submissions from 3 submitters: Benign (1); Likely benign (2). Last evaluated 2025-06-02.

Conditions:
Hereditary cancer-predisposing syndrome. Also called: Hereditary Cancer Syndrome; Neoplastic Syndromes, Hereditary; Tumor predisposition; Hereditary neoplastic syndrome. Identifiers: Orphanet 140162, MedGen C0027672, MeSH D009386, MONDO:0015356.
Fanconi anemia complementation group J. Also called: BRIP1-Related Fanconi Anemia. Identifiers: Orphanet 84, MedGen C1836860, MONDO:0012187, OMIM 609054.
Familial cancer of breast. Also called: Hereditary breast cancer; hereditary breast carcinoma; BREAST CANCER, FAMILIAL. Identifiers: Orphanet 227535, MedGen C0346153, MONDO:0016419, OMIM 114480. Disease mechanism: loss of function.

Allele frequency attached by ClinVar (database versions not stated): gnomAD exomes below 0.00001.
gnomAD v4.1: 1 of 1,613,454 alleles (0.000062%); no homozygotes.

Submissions (3):

Labcorp Genetics (formerly Invitae), Labcorp
Classification: Likely benign for Familial cancer of breast; Fanconi anemia complementation group J. Last evaluated: 2025-06-02. Review status: criteria provided, single submitter. Criteria: Invitae Variant Classification Sherloc (09022015). Collection method: clinical testing. Allele origin: germline.

Myriad Genetics, Inc.
Classification: Benign for Familial cancer of breast. Last evaluated: 2024-09-05. Review status: criteria provided, single submitter. Criteria: Myriad Autosomal Dominant, Autosomal Recessive and X-Linked Classification Criteria (2023). Collection method: clinical testing. Allele origin: unknown.
Comment: This variant is considered benign. This variant is a silent/synonymous amino acid change and it is not expected to impact splicing.

Ambry Genetics
Classification: Likely benign for Hereditary cancer-predisposing syndrome. Last evaluated: 2015-03-07. Review status: criteria provided, single submitter. Criteria: Ambry Variant Classification Scheme 2023. Collection method: clinical testing. Allele origin: germline.